The following is an entry in ClinVar:

NM_007078.3(LDB3):c.1381T>G (p.Tyr461Asp)

Gene: LDB3 (LIM domain binding 3; plus strand). Cytogenetic location: 10q23.2.
Variant type: single nucleotide variant.
Coding change: c.1381T>G on transcript NM_007078.3 (MANE Select); coding-DNA position 1381, T replaced by G.
Protein change: p.Tyr461Asp; replaces tyrosine 461 with aspartic acid.
Molecular consequence: missense variant.
Genome position (GRCh38, 1-based): chr10:86,716,476, T>G. VCF-style: chr10-86716476-T-G. GRCh37 (hg19) VCF-style: chr10-88476233-T-G.
Other names: c.1381T>G (LRG_385t1); c.1051T>G, p.Tyr351Asp (NM_001080114.2); c.1396T>G, p.Tyr466Asp (NM_001171610.2); c.1192T>G, p.Tyr398Asp (NM_001368064.1, NM_001368065.1); c.1240T>G, p.Tyr414Asp (NM_001368066.1); short protein forms Y461D, Y466D, Y351D, Y398D, Y414D.
Identifiers: ClinVar variation 240718 (VCV000240718.17), dbSNP rs145655904, ClinGen allele CA5585147.

ClinVar aggregate classification (germline): Uncertain significance. Review status: criteria provided, multiple submitters, no conflicts (2 of 4 stars). 4 submissions from 4 submitters: Uncertain significance (4). Last evaluated 2026-07-29.

Conditions:
Cardiovascular phenotype. Identifiers: MedGen CN230736.
Myofibrillar myopathy 4. Also called: Zaspopathy (type). Identifiers: Orphanet 98912, MedGen C4721886, MONDO:0012277, OMIM 609452.

Allele frequency attached by ClinVar (database versions not stated): ExAC 0.00001; gnomAD 0.00002.
gnomAD v4.1: 4 of 1,392,288 alleles (0.00029%); highest among the groups gnomAD compares: African/African-American, 0.0063%; no homozygotes.

Submissions (4):

Ambry Genetics
Classification: Uncertain significance for Cardiovascular phenotype. Last evaluated: 2026-07-29. Review status: criteria provided, single submitter. Criteria: Ambry Variant Classification Scheme 2023. Collection method: clinical testing. Allele origin: germline.
Comment: The c.1381T>G (p.Y461D) alteration is located in exon 9 (coding exon 9) of the LDB3 gene. This alteration results from a T to G substitution at nucleotide position 1381, causing the tyrosine (Y) at amino acid position 461 to be replaced by an aspartic acid (D). Based on data from gnomAD, the G allele has an overall frequency of 0.004% (1/25870) total alleles studied. The highest observed frequency was 0.014% (1/6968) of African alleles. Based on insufficient or conflicting evidence, the clinical significance of this alteration remains unclear.

Labcorp Genetics (formerly Invitae), Labcorp
Classification: Uncertain significance for Myofibrillar myopathy 4. Last evaluated: 2025-08-17. Review status: criteria provided, single submitter. Criteria: Invitae Variant Classification Sherloc (09022015). Collection method: clinical testing. Allele origin: germline.
Comment: The LDB3 gene has multiple clinically relevant transcripts. This variant occurs in alternate transcript NM_007078.3, and corresponds to NM_001080116.1:c.*17102T>G in the primary transcript. This sequence change replaces tyrosine, which is neutral and polar, with aspartic acid, which is acidic and polar, at codon 461 of the LDB3 protein (p.Tyr461Asp). This variant is present in population databases (rs145655904, gnomAD 0.01%). This variant has not been reported in the literature in individuals affected with LDB3-related conditions. Experimental studies and prediction algorithms are not available or were not evaluated, and the functional significance of this variant is currently unknown. In summary, the available evidence is currently insufficient to determine the role of this variant in disease. Therefore, it has been classified as a Variant of Uncertain Significance.

GeneDx
Classification: Uncertain significance. Last evaluated: 2022-12-01. Review status: criteria provided, single submitter. Criteria: GeneDx Variant Classification Process June 2021. Collection method: clinical testing. Allele origin: germline. Affected: yes.
Comment: Not observed at significant frequency in large population cohorts (gnomAD); Reported using an alternate transcript of the gene; In silico analysis supports that this missense variant does not alter protein structure/function; Has not been previously published as pathogenic or benign to our knowledge

Stanford Center for Inherited Cardiovascular Disease, Stanford University
Classification: Uncertain significance. Last evaluated: 2016-06-21. Review status: criteria provided, single submitter. Criteria: ACMG Guidelines, 2015. Collection method: provider interpretation. Allele origin: germline.